The following is an entry in ClinVar:

NM_006030.4(CACNA2D2):c.1462G>A (p.Val488Met)

Gene: CACNA2D2 (calcium voltage-gated channel auxiliary subunit alpha2delta 2; minus strand). Cytogenetic location: 3p21.31.
Variant type: single nucleotide variant.
Coding change: c.1462G>A on transcript NM_006030.4 (MANE Select); coding-DNA position 1462, G replaced by A.
Protein change: p.Val488Met; replaces valine 488 with methionine.
Molecular consequence: missense variant.
Genome position (GRCh38, 1-based): chr3:50,378,025, C>T on the plus strand (G>A on the coding strand, the complement: CACNA2D2 is on the minus strand). VCF-style: chr3-50378025-C-T. GRCh37 (hg19) VCF-style: chr3-50415456-C-T.
Other names: c.1462G>A, p.Val488Met (NM_001005505.3, NM_001174051.3); c.1255G>A, p.Val419Met (NM_001291101.1); short protein forms V488M, V419M.
Identifiers: ClinVar variation 857439 (VCV000857439.5), dbSNP rs749986337, ClinGen allele CA2418858.

ClinVar aggregate classification (germline): Uncertain significance (1 of 4 stars; one submission).

Conditions:
Developmental and epileptic encephalopathy. Identifiers: MedGen C5779964, MONDO:0100620.

Allele frequency attached by ClinVar (database versions not stated): gnomAD 0.00001; gnomAD exomes 0.00002; ExAC 0.00001; TOPMed 0.00002.
gnomAD v4.1: 9 of 1,613,598 alleles (0.00056%); highest among the groups gnomAD compares: Admixed American, 0.0067%; no homozygotes.

Submission:

Labcorp Genetics (formerly Invitae), Labcorp
Classification: Uncertain significance for Early-infantile DEE. Last evaluated: 2022-11-21. Review status: criteria provided, single submitter. Criteria: Invitae Variant Classification Sherloc (09022015). Collection method: clinical testing. Allele origin: germline.
Comment: ClinVar contains an entry for this variant (Variation ID: 857439). This variant has not been reported in the literature in individuals affected with CACNA2D2-related conditions. This variant is present in population databases (rs749986337, gnomAD 0.009%). This sequence change replaces valine, which is neutral and non-polar, with methionine, which is neutral and non-polar, at codon 488 of the CACNA2D2 protein (p.Val488Met). Algorithms developed to predict the effect of missense changes on protein structure and function are either unavailable or do not agree on the potential impact of this missense change (SIFT: "Deleterious"; PolyPhen-2: "Probably Damaging"; Align-GVGD: "Class C0"). In summary, the available evidence is currently insufficient to determine the role of this variant in disease. Therefore, it has been classified as a Variant of Uncertain Significance.